The following is an entry in ClinVar:

ClinVar aggregate classification (germline): Benign/Likely benign. Review status: criteria provided, multiple submitters, no conflicts (2 of 4 stars). 4 submissions from 4 submitters: Benign (2); Likely benign (1). 1 of the submissions does not count toward it. Last evaluated 2025-12-28.

Conditions:
SPRED1-related disorder. Also called: SPRED1-related condition.
Noonan syndrome and Noonan-related syndrome. Identifiers: Orphanet 98733, MedGen C5681679, MONDO:0020297.
Cardiovascular phenotype. Identifiers: MedGen CN230736.
Legius syndrome. Identifiers: Orphanet 137605, MedGen C1969623, MONDO:0012669, OMIM 611431. Disease mechanism: loss of function.

Allele frequency attached by ClinVar (database versions not stated): gnomAD 0.00004; gnomAD exomes 0.00004 and 0.00015; TOPMed 0.00004; ExAC 0.00014.
gnomAD v4.1: 66 of 1,612,502 alleles (0.0041%); highest among the groups gnomAD compares: East Asian, 0.083%; no homozygotes.

Submissions (4):

Labcorp Genetics (formerly Invitae), Labcorp
Classification: Likely benign for Legius syndrome. Last evaluated: 2025-12-28. Review status: criteria provided, single submitter. Criteria: Invitae Variant Classification Sherloc (09022015). Collection method: clinical testing. Allele origin: germline.

Ambry Genetics
Classification: Benign for Cardiovascular phenotype. Last evaluated: 2024-05-10. Review status: criteria provided, single submitter. Criteria: Ambry Variant Classification Scheme 2023. Collection method: clinical testing. Allele origin: germline.

Genome Diagnostics Laboratory, The Hospital for Sick Children
Classification: Benign for Noonan syndrome and Noonan-related syndrome. Last evaluated: 2018-09-01. Review status: criteria provided, single submitter. Criteria: ACMG Guidelines, 2015. Collection method: clinical testing. Allele origin: germline.

PreventionGenetics, part of Exact Sciences
Classification: Likely benign for SPRED1-related condition. Last evaluated: 2022-07-31. Review status: no assertion criteria provided. Collection method: clinical testing. Allele origin: germline. Not counted in ClinVar's aggregate classification.
Comment: This variant is classified as likely benign based on ACMG/AMP sequence variant interpretation guidelines (Richards et al. 2015 PMID: 25741868, with internal and published modifications).

NM_152594.3(SPRED1):c.634G>A (p.Val212Ile)

Gene: SPRED1 (sprouty related EVH1 domain containing 1; plus strand). Cytogenetic location: 15q14.
Variant type: single nucleotide variant.
Coding change: c.634G>A on transcript NM_152594.3 (MANE Select); coding-DNA position 634, G replaced by A.
Protein change: p.Val212Ile; replaces valine 212 with isoleucine.
Molecular consequence: missense variant.
Genome position (GRCh38, 1-based): chr15:38,349,473, G>A. VCF-style: chr15-38349473-G-A. GRCh37 (hg19) VCF-style: chr15-38641674-G-A.
Other names: short protein forms V212I.
Identifiers: ClinVar variation 536689 (VCV000536689.20), dbSNP rs769630742, ClinGen allele CA7470143.